The following is an entry in ClinVar:

ClinVar aggregate classification (germline): Uncertain significance (1 of 4 stars; one submission).

Conditions:
Hereditary nonpolyposis colorectal neoplasms. Identifiers: MedGen C0009405, MeSH D003123.

Submission:

Labcorp Genetics (formerly Invitae), Labcorp
Classification: Uncertain significance for Hereditary nonpolyposis colorectal neoplasms. Last evaluated: 2025-08-20. Review status: criteria provided, single submitter. Criteria: Invitae Variant Classification Sherloc (09022015). Collection method: clinical testing. Allele origin: germline.
Comment: This sequence change replaces cysteine, which is neutral and slightly polar, with tryptophan, which is neutral and slightly polar, at codon 1275 of the MSH6 protein (p.Cys1275Trp). This variant is not present in population databases (gnomAD no frequency). This variant has not been reported in the literature in individuals affected with MSH6-related conditions. Invitae Evidence Modeling of protein sequence and biophysical properties (such as structural, functional, and spatial information, amino acid conservation, physicochemical variation, residue mobility, and thermodynamic stability) indicates that this missense variant is not expected to disrupt MSH6 protein function with a negative predictive value of 95%. In summary, the available evidence is currently insufficient to determine the role of this variant in disease. Therefore, it has been classified as a Variant of Uncertain Significance.

NM_000179.3(MSH6):c.3825T>G (p.Cys1275Trp)

Gene: MSH6 (mutS homolog 6; plus strand). Cytogenetic location: 2p16.3.
Variant type: single nucleotide variant.
Coding change: c.3825T>G on transcript NM_000179.3 (MANE Select); coding-DNA position 3825, T replaced by G.
Protein change: p.Cys1275Trp; replaces cysteine 1275 with tryptophan.
Molecular consequence: missense variant. On other transcripts: non-coding transcript variant (5), intron variant (1).
Genome position (GRCh38, 1-based): chr2:47,806,475, T>G. VCF-style: chr2-47806475-T-G. GRCh37 (hg19) VCF-style: chr2-48033614-T-G.
Other names: c.3435T>G, p.Cys1145Trp (NM_001281492.2); c.2919T>G, p.Cys973Trp (NM_001281493.2, NM_001281494.2, NM_001406811.1 and 6 more transcripts); c.3921T>G, p.Cys1307Trp (NM_001406795.1); c.3825T>G, p.Cys1275Trp (NM_001406796.1, NM_001406808.1, NM_001406809.1); c.3528T>G, p.Cys1176Trp (NM_001406797.1, NM_001406801.1, NM_001406805.1 and 10 more transcripts); c.3651T>G, p.Cys1217Trp (NM_001406798.1); c.3300T>G, p.Cys1100Trp (NM_001406799.1, NM_001406806.1, NM_001406807.1); c.3812T>G, p.Val1271Gly (NM_001406800.1); and 9 more; short protein forms C1100W, C1145W, C1176W, C1217W, C1219W, C1249W, C1275W, C1277W.
Identifiers: ClinVar variation 4800236 (VCV004800236.1).